The following is an entry in ClinVar:

NM_032578.4(MYPN):c.1371A>C (p.Arg457Ser)

Gene: MYPN (myopalladin; plus strand). Cytogenetic location: 10q21.3.
Variant type: single nucleotide variant.
Coding change: c.1371A>C on transcript NM_032578.4 (MANE Select); coding-DNA position 1371, A replaced by C.
Protein change: p.Arg457Ser; replaces arginine 457 with serine.
Molecular consequence: missense variant. On other transcripts: non-coding transcript variant (2).
Genome position (GRCh38, 1-based): chr10:68,158,539, A>C. VCF-style: chr10-68158539-A-C. GRCh37 (hg19) VCF-style: chr10-69918296-A-C.
Other names: c.1371A>C, p.Arg457Ser (NM_001256267.2); c.489A>C, p.Arg163Ser (NM_001256268.2); short protein forms R163S, R457S.
Identifiers: ClinVar variation 3389489 (VCV003389489.14).
Genomic context (GRCh38, chr10:68,158,539, plus strand): 5'-ATTATAGATGCTACAAAATTTGTCAGCTTCTGAGGGTCAGCTGGTTGTCTTTGAATGCAG[A>C]GTAAAAGGAGCTCCATCTCCTAAGGTTGAGTGGTATAGAGAAGGGACTTTAATAGAAGAT-3'
Protein context (NP_115967.2, residues 447-467): SEGQLVVFEC[Arg457Ser]VKGAPSPKVE

ClinVar aggregate classification (germline): Uncertain significance (1 of 4 stars; one submission).

gnomAD v4.1: 1 of 1,613,870 alleles (0.000062%); highest among the groups gnomAD compares: Non-Finnish European, 0.000085%; no homozygotes.

Submission:

CeGaT Center for Human Genetics Tuebingen
Classification: Uncertain significance. Last evaluated: 2024-11-01. Review status: criteria provided, single submitter. Criteria: CeGaT Center For Human Genetics Tuebingen Variant Classification Criteria Version 2. Collection method: clinical testing. Allele origin: germline. Affected: yes. Observed: 1 variant allele.
Comment: MYPN: PM2